The following is an entry in ClinVar:

NM_005751.5(AKAP9):c.9467C>G (p.Ser3156Cys)

Gene: AKAP9 (A-kinase anchoring protein 9; plus strand). Cytogenetic location: 7q21.2.
Variant type: single nucleotide variant.
Coding change: c.9467C>G on transcript NM_005751.5 (MANE Select); coding-DNA position 9467, C replaced by G.
Protein change: p.Ser3156Cys; replaces serine 3156 with cysteine.
Molecular consequence: missense variant.
Genome position (GRCh38, 1-based): chr7:92,093,205, C>G. VCF-style: chr7-92093205-C-G. GRCh37 (hg19) VCF-style: chr7-91722519-C-G.
Other names: c.4112C>G, p.Ser1371Cys (NM_001379277.1); c.9443C>G, p.Ser3148Cys (NM_147185.3); short protein forms S3148C, S1371C, S3156C.
Identifiers: ClinVar variation 2721770 (VCV002721770.3), dbSNP rs2535288790, ClinGen allele CA368148041.

ClinVar aggregate classification (germline): Uncertain significance (1 of 4 stars; one submission).

Conditions:
Long QT syndrome (LQTS). Identifiers: MedGen C0023976, MeSH D008133, MONDO:0002442. Disease mechanism: loss of function. Inheritance: Various modes of inheritance.

gnomAD v4.1: 2 of 1,614,164 alleles (0.00012%); highest among the groups gnomAD compares: Middle Eastern, 0.033%; no homozygotes.

Submission:

Labcorp Genetics (formerly Invitae), Labcorp
Classification: Uncertain significance for Long QT syndrome. Last evaluated: 2024-04-22. Review status: criteria provided, single submitter. Criteria: Invitae Variant Classification Sherloc (09022015). Collection method: clinical testing. Allele origin: germline.
Comment: This sequence change replaces serine, which is neutral and polar, with cysteine, which is neutral and slightly polar, at codon 3156 of the AKAP9 protein (p.Ser3156Cys). This variant is not present in population databases (gnomAD no frequency). This variant has not been reported in the literature in individuals affected with AKAP9-related conditions. An algorithm developed to predict the effect of missense changes on protein structure and function (PolyPhen-2) suggests that this variant is likely to be disruptive. In summary, the available evidence is currently insufficient to determine the role of this variant in disease. Therefore, it has been classified as a Variant of Uncertain Significance.